The following is an entry in ClinVar:

ClinVar aggregate classification (germline): Pathogenic (1 of 4 stars; one submission).

Conditions:
Cardiovascular phenotype. Identifiers: MedGen CN230736.
Hereditary cancer-predisposing syndrome. Also called: Neoplastic Syndromes, Hereditary; Tumor predisposition; Hereditary Cancer Syndrome; Hereditary neoplastic syndrome. Identifiers: Orphanet 140162, MedGen C0027672, MeSH D009386, MONDO:0015356.

Submission:

Ambry Genetics
Classification: Pathogenic for Cardiovascular phenotype; Hereditary cancer-predisposing syndrome. Last evaluated: 2026-04-13. Review status: criteria provided, single submitter. Criteria: Ambry Variant Classification Scheme 2023. Collection method: clinical testing. Allele origin: germline.
Comment: The c.5483_5487delATGTCinsT pathogenic mutation, located in coding exon 37 of the NF1 gene, results from the deletion of 5 nucleotides and insertion of one nucleotide causing a translational frameshift with a predicted alternate stop codon (p.D1828Vfs*13). This variant is considered to be rare based on population cohorts in the Genome Aggregation Database (gnomAD). This alteration is expected to result in loss of function by premature protein truncation or nonsense-mediated mRNA decay. As such, this alteration is interpreted as a disease-causing mutation.

NM_001042492.3(NF1):c.5546_5550delinsT (p.Asp1849fs)

Gene: NF1 (neurofibromin 1; plus strand). Cytogenetic location: 17q11.2.
Variant type: Indel.
Coding change: c.5546_5550delinsT on transcript NM_001042492.3 (MANE Select); coding-DNA positions 5546 to 5550, ATGTC replaced by T.
Protein change: p.Asp1849fs; shifts the reading frame from aspartic acid 1849.
Molecular consequence: frameshift variant.
Genome position (GRCh38, 1-based): chr17:31,327,776-31,327,780, ATGTC replaced by T. VCF-style: chr17-31327776-ATGTC-T. GRCh37 (hg19) VCF-style: chr17-29654794-ATGTC-T.
Other names: c.5483_5487delinsT, p.Asp1828fs (NM_000267.4); short protein forms D1828fs, D1849fs.
Identifiers: ClinVar variation 4860914 (VCV004860914.1).